The following is an entry in ClinVar:

ClinVar aggregate classification (germline): Uncertain significance (1 of 4 stars; one submission).

Submission:

Labcorp Genetics (formerly Invitae), Labcorp
Classification: Uncertain significance. Last evaluated: 2025-01-27. Review status: criteria provided, single submitter. Criteria: Invitae Variant Classification Sherloc (09022015). Collection method: clinical testing. Allele origin: germline.
Comment: This sequence change replaces proline, which is neutral and non-polar, with serine, which is neutral and polar, at codon 194 of the CNGB1 protein (p.Pro194Ser). This variant is not present in population databases (gnomAD no frequency). This variant has not been reported in the literature in individuals affected with CNGB1-related conditions. ClinVar contains an entry for this variant (Variation ID: 2133254). Invitae Evidence Modeling of protein sequence and biophysical properties (such as structural, functional, and spatial information, amino acid conservation, physicochemical variation, residue mobility, and thermodynamic stability) indicates that this missense variant is not expected to disrupt CNGB1 protein function with a negative predictive value of 95%. In summary, the available evidence is currently insufficient to determine the role of this variant in disease. Therefore, it has been classified as a Variant of Uncertain Significance.

NM_001297.5(CNGB1):c.580C>T (p.Pro194Ser)

Gene: CNGB1 (cyclic nucleotide gated channel subunit beta 1; minus strand). Cytogenetic location: 16q21.
Variant type: single nucleotide variant.
Coding change: c.580C>T on transcript NM_001297.5 (MANE Select); coding-DNA position 580, C replaced by T.
Protein change: p.Pro194Ser; replaces proline 194 with serine.
Molecular consequence: missense variant. On other transcripts: intron variant (1).
Genome position (GRCh38, 1-based): chr16:57,960,485, G>A on the plus strand (C>T on the coding strand, the complement: CNGB1 is on the minus strand). VCF-style: chr16-57960485-G-A. GRCh37 (hg19) VCF-style: chr16-57994389-G-A.
Other names: c.580C>T, p.Pro194Ser (NM_001135639.2); c.565+15C>T (NM_001286130.2); short protein forms P194S.
Identifiers: ClinVar variation 2133254 (VCV002133254.4), dbSNP rs765320710, ClinGen allele CA396078023.